The following is an entry in ClinVar:

ClinVar aggregate classification (germline): Likely pathogenic (1 of 4 stars; one submission).

Conditions:
Autosomal recessive Alport syndrome (ATS2). Also called: COL4A4 Alport Syndrome and Thin Basement Membrane Nephropathy; ALPORT SYNDROME 2, AUTOSOMAL RECESSIVE; Alport syndrome type 2; COL4A3-Related Nephropathy. Identifiers: Orphanet 63, Orphanet 88919, MedGen C4746745, MONDO:0008762, OMIM 203780.

Submission:

MVZ Medizinische Genetik Mainz
Classification: Likely pathogenic for Autosomal recessive Alport syndrome. Last evaluated: 2024-08-29. Review status: criteria provided, single submitter. Criteria: UK Practice Guidelines For Variant Classification V4 01 2020. Collection method: clinical testing. Allele origin: germline. Inheritance: Autosomal dominant inheritance. Affected: yes. Observed: 1 variant allele.
Comment: ACMG Criteria: PM1_STR,PM2_SUP,PM5_SUP,PP3,PP4

NM_000092.5(COL4A4):c.3515G>T (p.Gly1172Val)

Gene: COL4A4 (collagen type IV alpha 4 chain; minus strand). Cytogenetic location: 2q36.3.
Variant type: single nucleotide variant.
Coding change: c.3515G>T on transcript NM_000092.5 (MANE Select); coding-DNA position 3515, G replaced by T.
Protein change: p.Gly1172Val; replaces glycine 1172 with valine.
Molecular consequence: missense variant.
Genome position (GRCh38, 1-based): chr2:227,033,472, C>A on the plus strand (G>T on the coding strand, the complement: COL4A4 is on the minus strand). VCF-style: chr2-227033472-C-A. GRCh37 (hg19) VCF-style: chr2-227898188-C-A.
Other names: short protein forms G1172V.
Identifiers: ClinVar variation 3342271 (VCV003342271.1).